The following is an entry in ClinVar:

ClinVar aggregate classification (germline): Conflicting classifications of pathogenicity. Review status: criteria provided, conflicting classifications (1 of 4 stars). 6 submissions from 6 submitters: Uncertain significance (1); Benign (5). Last evaluated 2026-02-01.

Conditions:
Monogenic diabetes. Identifiers: Orphanet 183625, MedGen C3888631, MONDO:0015967.
Transitory neonatal diabetes mellitus. Also called: Transient neonatal diabetes mellitus. Identifiers: MedGen C0342273, MONDO:0020525, HP:0008255.
Diabetes mellitus, transient neonatal, 1 (TNDM1). Also called: Diabetes Mellitus, 6q24-Related Transient Neonatal. Identifiers: Orphanet 99886, MedGen C1832386, MONDO:0011073, OMIM 601410.

Allele frequency attached by ClinVar (database versions not stated): 1000 Genomes Project 30x 0.01062; TOPMed 0.01080; 1000 Genomes Project 0.01178; ESP Exome Variant Server 0.01293.

Submissions (6):

Labcorp Genetics (formerly Invitae), Labcorp
Classification: Benign. Last evaluated: 2026-02-01. Review status: criteria provided, single submitter. Criteria: Invitae Variant Classification Sherloc (09022015). Collection method: clinical testing. Allele origin: germline.

ARUP Laboratories, Molecular Genetics and Genomics, ARUP Laboratories
Classification: Benign for Diabetes mellitus, transient neonatal, 1. Last evaluated: 2025-07-25. Review status: criteria provided, single submitter. Criteria: ARUP Molecular Germline Variant Investigation Process 2024. Collection method: clinical testing. Allele origin: germline.

Personalized Diabetes Medicine Program, University of Maryland School of Medicine
Classification: Benign for Monogenic diabetes. Last evaluated: 2018-12-21. Review status: criteria provided, single submitter. Criteria: ACMG Guidelines, 2015. Collection method: research. Allele origin: unknown. Observed: 6 variant alleles, 6 heterozygotes.
Comment: ACMG criteria: BP4 (REVEL 0.004, 10 predictors), BA1 (3.6% gnomAD EF, 3.3% SA, 1.7% ENF), BS2 (216 cases and 229 controls in an online resource)= benign

Illumina Laboratory Services, Illumina
Classification: Benign for Diabetes mellitus, transient neonatal, 1. Last evaluated: 2018-01-13. Review status: criteria provided, single submitter. Criteria: ICSL Variant Classification Criteria 13 December 2019. Collection method: clinical testing. Allele origin: germline.
Comment: This variant was observed in the ICSL laboratory as part of a predisposition screen in an ostensibly healthy population. It had not been previously curated by ICSL or reported in the Human Gene Mutation Database (HGMD: prior to June 1st, 2018), and was therefore a candidate for classification through an automated scoring system. Utilizing variant allele frequency, disease prevalence and penetrance estimates, and inheritance mode, an automated score was calculated to assess if this variant is too frequent to cause the disease. Based on the score and internal cut-off values, a variant classified as benign is not then subjected to further curation. The score for this variant resulted in a classification of benign for this disease.

Genetic Services Laboratory, University of Chicago
Classification: Benign for AllHighlyPenetrant. Last evaluated: 2013-12-04. Review status: criteria provided, single submitter. Criteria: ACMG Guidelines, 2007. Collection method: clinical testing. Allele origin: germline. Inheritance: Autosomal recessive inheritance.

Clinical Genomics, Uppaluri K&H Personalized Medicine Clinic
Classification: Uncertain significance for Transitory neonatal diabetes mellitus. Review status: criteria provided, single submitter. Criteria: K & H Uppaluri Personalized Medicine Clinic Variant Classification & Assertion Criteria_Updated V.1. Collection method: research. Allele origin: somatic. Inheritance: Autosomal dominant inheritance.
Comment: ZFP57 gene mutations are associated with neonatal diabetes, however the role of this particular variant (rs114591600) of ZFP57 gene remains uncertain and needs further clinical validation.

Literature cited by the submitters: PubMed 31064016 (cited by Clinical Genomics, Uppaluri K&H Personalized Medicine Clinic); PubMed 30315371 (cited by Clinical Genomics, Uppaluri K&H Personalized Medicine Clinic).

NM_001109809.5(ZFP57):c.374G>A (p.Arg125Gln)

Gene: ZFP57 (ZFP57 zinc finger protein; minus strand). Cytogenetic location: 6p22.1.
Variant type: single nucleotide variant.
Coding change: c.374G>A on transcript NM_001109809.5 (MANE Select); coding-DNA position 374, G replaced by A.
Protein change: p.Arg125Gln; replaces arginine 125 with glutamine.
Molecular consequence: missense variant.
Genome position (GRCh38, 1-based): chr6:29,673,737, C>T on the plus strand (G>A on the coding strand, the complement: ZFP57 is on the minus strand). VCF-style: chr6-29673737-C-T. GRCh37 (hg19) VCF-style: chr6-29641514-C-T.
Other names: c.158G>A, p.Arg53Gln (NM_001366333.2); short protein forms R125Q, R53Q.
Identifiers: ClinVar variation 130774 (VCV000130774.25), dbSNP rs114591600, ClinGen allele CA156045.
Genomic context (GRCh38, chr6:29,673,737, plus strand): 5'-CATGCAAGGAAGACCTTGTCATCACTAGTCCCCTCATCTCTCAGACTGGGATGTTGTTCT[C>T]GAAGCTCTTTCTTCTTGCCTTCTACAGTGAATGAGGAAGAATAACACAAAATTCACTGTA-3'
Protein context (NP_001103279.2, residues 115-135): GLSEGKKKEL[Arg125Gln]EQHPSLRDEG